The following is an entry in ClinVar:

ClinVar aggregate classification (germline): Pathogenic (1 of 4 stars; one submission).

Submission:

Labcorp Genetics (formerly Invitae), Labcorp
Classification: Pathogenic. Last evaluated: 2025-11-15. Review status: criteria provided, single submitter. Criteria: Invitae Variant Classification Sherloc (09022015). Collection method: clinical testing. Allele origin: germline.
Comment: This sequence change creates a premature translational stop signal (p.Ala1372Argfs*3) in the LTBP4 gene. It is expected to result in an absent or disrupted protein product. Loss-of-function variants in LTBP4 are known to be pathogenic (PMID: 19836010, 22829427). The frequency data for this variant in the population databases is considered unreliable, as metrics indicate poor data quality at this position in the gnomAD database. This premature translational stop signal has been observed in individual(s) with cutis laxa (PMID: 25882708). ClinVar contains an entry for this variant (Variation ID: 1458473). For these reasons, this variant has been classified as Pathogenic.

Literature cited by the submitters: PubMed 19836010; PubMed 22829427; PubMed 25882708.

NM_001042545.2(LTBP4):c.4023dup (p.Ala1342fs)

Gene: LTBP4 (latent transforming growth factor beta binding protein 4; plus strand). Cytogenetic location: 19q13.2.
Variant type: Duplication.
Coding change: c.4023dup on transcript NM_001042545.2 (MANE Select); coding-DNA position 4023, one base duplicated (C; older notation c.4023dupC).
Protein change: p.Ala1342fs; shifts the reading frame from alanine 1342.
Molecular consequence: frameshift variant.
Genome position (GRCh38, 1-based): chr19:40,627,012, C duplicated; the last of 7 consecutive C bases (chr19:40,627,006-40,627,012); duplicating any one gives the same sequence. VCF-style (leftmost placement, unchanged base first): chr19-40627005-G-GC. GRCh37 (hg19) VCF-style: chr19-41132910-G-GC.
Other names: c.4224dup, p.Ala1409fs (NM_001042544.1); c.4113dup, p.Ala1372fs (NM_003573.2); short protein forms A1409fs, A1342fs, A1372fs.
Identifiers: ClinVar variation 1458473 (VCV001458473.6), dbSNP rs754757253, ClinGen allele CA9449206.